The following is an entry in ClinVar:

NM_001369.3(DNAH5):c.8821-29_8869del

Gene: DNAH5 (dynein axonemal heavy chain 5; minus strand). Cytogenetic location: 5p15.2.
Variant type: Deletion.
Coding change: c.8821-29_8869del on transcript NM_001369.3 (MANE Select); 29 bases into the intron before coding-DNA position 8821 through coding-DNA position 8869, 78 bases deleted.
Molecular consequence: splice acceptor variant.
Genome position (GRCh38, 1-based): chr5:13,780,911-13,780,988, 78 bases deleted. GRCh37 (hg19): chr5:13,781,021-13,781,098.
Identifiers: ClinVar variation 2748719 (VCV002748719.3), dbSNP rs2546696615, ClinGen allele CA2697547085.

ClinVar aggregate classification (germline): Pathogenic (1 of 4 stars; one submission).

Conditions:
Primary ciliary dyskinesia. Also called: Ciliary dyskinesia. Identifiers: Orphanet 244, MedGen C0008780, MONDO:0016575, HP:0012265.

Submission:

Labcorp Genetics (formerly Invitae), Labcorp
Classification: Pathogenic for Primary ciliary dyskinesia. Last evaluated: 2023-08-07. Review status: criteria provided, single submitter. Criteria: Invitae Variant Classification Sherloc (09022015). Collection method: clinical testing. Allele origin: germline.
Comment: Algorithms developed to predict the effect of sequence changes on RNA splicing suggest that this variant may disrupt the consensus splice site. This variant has not been reported in the literature in individuals affected with DNAH5-related conditions. This variant is not present in population databases (gnomAD no frequency). This variant results in the deletion of part of exon 53 (c.8821-29_8869del) of the DNAH5 gene. It is expected to disrupt RNA splicing. Variants that disrupt the donor or acceptor splice site typically lead to a loss of protein function (PMID: 16199547), and loss-of-function variants in DNAH5 are known to be pathogenic (PMID: 11788826, 16627867). This variant disrupts a region of the DNAH5 protein in which other variant(s) (p.Arg2943Cys) have been determined to be pathogenic (Invitae). This suggests that this is a clinically significant region of the protein, and that variants that disrupt it are likely to be disease-causing. For these reasons, this variant has been classified as Pathogenic.

Literature cited by the submitters: PubMed 16199547; PubMed 11788826; PubMed 16627867.